The following is an entry in ClinVar:

NM_003482.4(KMT2D):c.12995C>T (p.Thr4332Ile)

Gene: KMT2D (lysine methyltransferase 2D; minus strand). Cytogenetic location: 12q13.12.
Variant type: single nucleotide variant.
Coding change: c.12995C>T on transcript NM_003482.4 (MANE Select); coding-DNA position 12995, C replaced by T.
Protein change: p.Thr4332Ile; replaces threonine 4332 with isoleucine.
Molecular consequence: missense variant.
Genome position (GRCh38, 1-based): chr12:49,031,710, G>A on the plus strand (C>T on the coding strand, the complement: KMT2D is on the minus strand). VCF-style: chr12-49031710-G-A. GRCh37 (hg19) VCF-style: chr12-49425493-G-A.
Other names: short protein forms T4332I.
Identifiers: ClinVar variation 1464282 (VCV001464282.8), dbSNP rs2120423171, ClinGen allele CA384708078.

ClinVar aggregate classification (germline): Uncertain significance (1 of 4 stars; one submission).

Conditions:
Kabuki syndrome. Also called: NIIKAWA-KUROKI SYNDROME; Kabuki make-up syndrome. Identifiers: Orphanet 2322, MedGen C0796004, MONDO:0016512.

Allele frequency attached by ClinVar (database versions not stated): gnomAD exomes below 0.00001.

Submission:

Labcorp Genetics (formerly Invitae), Labcorp
Classification: Uncertain significance for Kabuki syndrome. Last evaluated: 2021-01-06. Review status: criteria provided, single submitter. Criteria: Invitae Variant Classification Sherloc (09022015). Collection method: clinical testing. Allele origin: germline.
Comment: This variant has not been reported in the literature in individuals with KMT2D-related conditions. This variant is not present in population databases (ExAC no frequency). This sequence change replaces threonine with isoleucine at codon 4332 of the KMT2D protein (p.Thr4332Ile). The threonine residue is weakly conserved and there is a moderate physicochemical difference between threonine and isoleucine. Advanced modeling of protein sequence and biophysical properties (such as structural, functional, and spatial information, amino acid conservation, physicochemical variation, residue mobility, and thermodynamic stability) performed at Invitae indicates that this missense variant is not expected to disrupt KMT2D protein function. In summary, the available evidence is currently insufficient to determine the role of this variant in disease. Therefore, it has been classified as a Variant of Uncertain Significance.